The following is an entry in ClinVar:

ClinVar aggregate classification (germline): Conflicting classifications of pathogenicity. Review status: criteria provided, conflicting classifications (1 of 4 stars). 4 submissions from 4 submitters: Uncertain significance (3); Likely benign (1). Last evaluated 2025-11-10.

Conditions:
Developmental delay with or without dysmorphic facies and autism. Identifiers: MedGen C5193106, MONDO:0032760, OMIM 618454.
Inborn genetic diseases. Identifiers: MedGen C0950123, MeSH D030342.
TRRAP-related disorder. Also called: TRRAP-related condition.

gnomAD v4.1: 21 of 1,613,978 alleles (0.0013%); highest among the groups gnomAD compares: East Asian, 0.0045%; no homozygotes.

Submissions (4):

PreventionGenetics, part of Exact Sciences
Classification: Uncertain significance for TRRAP-related condition. Last evaluated: 2025-11-10. Review status: criteria provided, single submitter. Criteria: ACMG Guidelines, 2015. Collection method: clinical testing. Allele origin: germline.
Comment: The TRRAP c.9055G>A variant is predicted to result in the amino acid substitution p.Ala3019Thr. To our knowledge, this variant has not been reported in the literature. This variant is reported in 0.0026% of alleles in individuals of European (Non-Finnish) descent in gnomAD. At this time, the clinical significance of this variant is uncertain due to the absence of conclusive functional and genetic evidence.

Labcorp Genetics (formerly Invitae), Labcorp
Classification: Uncertain significance. Last evaluated: 2025-05-22. Review status: criteria provided, single submitter. Criteria: Invitae Variant Classification Sherloc (09022015). Collection method: clinical testing. Allele origin: germline.
Comment: This sequence change replaces alanine, which is neutral and non-polar, with threonine, which is neutral and polar, at codon 3019 of the TRRAP protein (p.Ala3019Thr). This variant is present in population databases (rs773327749, gnomAD 0.003%). This variant has not been reported in the literature in individuals affected with TRRAP-related conditions. ClinVar contains an entry for this variant (Variation ID: 2069999). Invitae Evidence Modeling of protein sequence and biophysical properties (such as structural, functional, and spatial information, amino acid conservation, physicochemical variation, residue mobility, and thermodynamic stability) indicates that this missense variant is expected to disrupt TRRAP protein function with a positive predictive value of 80%. In summary, the available evidence is currently insufficient to determine the role of this variant in disease. Therefore, it has been classified as a Variant of Uncertain Significance.

Ambry Genetics
Classification: Uncertain significance for Inborn genetic diseases. Last evaluated: 2023-12-27. Review status: criteria provided, single submitter. Criteria: Ambry Variant Classification Scheme 2023. Collection method: clinical testing. Allele origin: germline.

Institute of Medical Genetics and Genomics, Sir Ganga Ram Hospital
Classification: Likely benign for Developmental delay with or without dysmorphic facies and autism. Last evaluated: 2023-06-21. Review status: criteria provided, single submitter. Criteria: ACMG Guidelines, 2015. Collection method: clinical testing. Allele origin: germline. Inheritance: Autosomal dominant inheritance. Affected: no. Observed: 1 heterozygote.
Comment: This variant has been found in gnomAD aggregate (0.0016%) and ExAc (0.0033%). This gene has autosomal dominant inheritance. We classify this variant as likely benign for Developmental delay with or without dysmorphic facies and autism.

NM_001375524.1(TRRAP):c.9130G>A (p.Ala3044Thr)

Gene: TRRAP (transformation/transcription domain associated protein; plus strand). Cytogenetic location: 7q22.1.
Variant type: single nucleotide variant.
Coding change: c.9130G>A on transcript NM_001375524.1 (MANE Select); coding-DNA position 9130, G replaced by A.
Protein change: p.Ala3044Thr; replaces alanine 3044 with threonine.
Molecular consequence: missense variant.
Genome position (GRCh38, 1-based): chr7:98,984,200, G>A. VCF-style: chr7-98984200-G-A. GRCh37 (hg19) VCF-style: chr7-98581823-G-A.
Other names: c.9142G>A (NM_001244580.1); c.9055G>A (NM_003496.3); c.9142G>A, p.Ala3048Thr (NM_001244580.2); c.9055G>A, p.Ala3019Thr (NM_003496.4); short protein forms A3019T, A3044T, A3048T.
Identifiers: ClinVar variation 2069999 (VCV002069999.8), dbSNP rs773327749, ClinGen allele CA4361637.